The following is an entry in ClinVar:

ClinVar aggregate classification (germline): Pathogenic/Likely pathogenic. Review status: criteria provided, multiple submitters, no conflicts (2 of 4 stars). 5 submissions from 5 submitters: Pathogenic (1); Likely pathogenic (4). Last evaluated 2025-11-06.

Conditions:
Propionic acidemia (PROP). Also called: GLYCINEMIA, KETOTIC; HYPERGLYCINEMIA WITH KETOACIDOSIS AND LEUKOPENIA; KETOTIC HYPERGLYCINEMIA. Identifiers: Orphanet 35, MedGen C0268579, MONDO:0011628, OMIM 606054, HP:0003571.

Submissions (5):

Natera, Inc.
Classification: Likely pathogenic for Propionic acidemia. Last evaluated: 2025-11-06. Review status: criteria provided, single submitter. Criteria: Natera Variant Classification Schema (03/2026). Collection method: clinical testing. Allele origin: germline.
Comment: The c.1091-8_1091-3delCTTTCT variant in PCCB is a deletion in the intronic region. This variant is rare in the general population with a frequency below the threshold expected for the associated phenotype(s). This variant has been observed in one or more individuals affected with the associated recessive disease, as either homozygous or compound heterozygous with a second variant (PMID: 9683601). Functional studies show that this variant may disrupt protein function (PMID: 33923806). Computational prediction algorithms indicate this variant is likely to affect gene or protein function. Given the available evidence, this variant is classified as Likely Pathogenic.

Baylor Genetics
Classification: Likely pathogenic for Propionic acidemia. Last evaluated: 2024-03-21. Review status: criteria provided, single submitter. Criteria: ACMG Guidelines, 2015. Collection method: clinical testing. Allele origin: unknown.

Labcorp Genetics (formerly Invitae), Labcorp
Classification: Likely pathogenic for Propionic acidemia. Last evaluated: 2021-11-15. Review status: criteria provided, single submitter. Criteria: Invitae Variant Classification Sherloc (09022015). Collection method: clinical testing. Allele origin: germline.
Comment: This sequence change falls in intron 10 of the PCCB gene. It does not directly change the encoded amino acid sequence of the PCCB protein. This variant is present in population databases (no rsID available, gnomAD 0.003%). In summary, the currently available evidence indicates that the variant is pathogenic, but additional data are needed to prove that conclusively. Therefore, this variant has been classified as Likely Pathogenic. Studies have shown that this variant is associated with altered splicing, but the impact on the resulting protein product is unknown (PMID: 15235904, 33923806). ClinVar contains an entry for this variant (Variation ID: 802010). This variant is also known as 1091-11del6, IVS10-11del6. This variant has been observed in individual(s) with propionic acidemia (PMID: 12757933).

Laboratory of Inherited Metabolic Diseases, Research centre for medical genetics
Classification: Likely pathogenic for Propionic acidemia. Last evaluated: 2021-02-17. Review status: criteria provided, single submitter. Criteria: ACMG Guidelines, 2015. Collection method: research, in vitro. Allele origin: unknown, not applicable.
Comment: PS3, PM2, PP3

Mendelics
Classification: Pathogenic for Propionic acidemia. Last evaluated: 2019-05-28. Review status: criteria provided, single submitter. Criteria: Mendelics Assertion Criteria 2017. Collection method: clinical testing. Allele origin: unknown.

Literature cited by the submitters: PubMed 9683601 (cited by Natera, Inc.); PubMed 33923806 (cited by Natera, Inc. and Labcorp Genetics (formerly Invitae), Labcorp); PubMed 15235904 (cited by Labcorp Genetics (formerly Invitae), Labcorp); PubMed 12757933 (cited by Labcorp Genetics (formerly Invitae), Labcorp).

NM_000532.5(PCCB):c.1091-8_1091-3del

Gene: PCCB (propionyl-CoA carboxylase subunit beta; plus strand). Cytogenetic location: 3q22.3.
Variant type: Deletion.
Coding change: c.1091-8_1091-3del on transcript NM_000532.5 (MANE Select); 8 bases into the intron before coding-DNA position 1091 through 3 bases into the intron before coding-DNA position 1091, 6 bases deleted (CTTTCT; older notation c.1091-8_1091-3delCTTTCT).
Molecular consequence: intron variant.
Genome position (GRCh38, 1-based): chr3:136,326,795-136,326,800, CTTTCT deleted; deleting any 6 consecutive bases within chr3:136,326,792-136,326,800 gives the same sequence; the c. name uses the placement nearest the transcript's 3' end. VCF-style (leftmost placement, unchanged base first): chr3-136326791-CTCTCTT-C. GRCh37 (hg19) VCF-style: chr3-136045633-CTCTCTT-C.
Other names: c.1151-8_1151-3del (NM_001178014.2); c.1091-8_1091-3delCTTTCT (NM_000532.4).
Identifiers: ClinVar variation 802010 (VCV000802010.9), dbSNP rs1249235758, ClinGen allele CA546476917.